The following is an entry in ClinVar:

ClinVar aggregate classification (germline): Uncertain significance (1 of 4 stars; one submission).

Conditions:
Familial adenomatous polyposis 1 (FAP1). Also called: FAMILIAL ADENOMATOUS POLYPOSIS 1, ATTENUATED; POLYPOSIS, ADENOMATOUS INTESTINAL. Identifiers: MedGen C2713442, MONDO:0021056, OMIM 175100. Disease mechanism: loss of function.

Submission:

Labcorp Genetics (formerly Invitae), Labcorp
Classification: Uncertain significance for Familial adenomatous polyposis 1. Last evaluated: 2025-07-07. Review status: criteria provided, single submitter. Criteria: Invitae Variant Classification Sherloc (09022015). Collection method: clinical testing. Allele origin: germline.
Comment: This variant occurs in a non-coding region of the APC gene. It does not change the encoded amino acid sequence of the APC protein. This variant is not present in population databases (gnomAD no frequency). This variant has not been reported in the literature in individuals affected with APC-related conditions. Experimental studies and prediction algorithms are not available or were not evaluated, and the functional significance of this variant is currently unknown. In summary, the available evidence is currently insufficient to determine the role of this variant in disease. Therefore, it has been classified as a Variant of Uncertain Significance.

NM_001127511.3(APC):c.129C>G (p.Gly43=)

Gene: APC (APC regulator of Wnt signaling pathway; plus strand). Cytogenetic location: 5q22.2.
Variant type: single nucleotide variant.
Coding change: c.129C>G on transcript NM_001127511.3; coding-DNA position 129, C replaced by G.
Protein change: p.Gly43=; no amino-acid change (glycine 43 retained).
Molecular consequence: synonymous variant. On other transcripts: 5 prime UTR variant (8), non-coding transcript variant (1), intron variant (5).
Genome position (GRCh38, 1-based): chr5:112,707,846, C>G. VCF-style: chr5-112707846-C-G. GRCh37 (hg19) VCF-style: chr5-112043543-C-G.
Other names: c.-55C>G (NM_001354895.2, NM_001407447.1, NM_001407452.1 and 3 more transcripts); c.129C>G, p.Gly43= (NM_001354897.2, NM_001354902.2, NM_001407446.1); c.-1090C>G (NM_001407470.1, NM_001407472.1); c.-19+197C>G (NM_001407448.1, NM_001407450.1, NM_001407457.1 and 1 more transcripts); c.-43+197C>G (NM_001407453.1).
Identifiers: ClinVar variation 2138904 (VCV002138904.3), dbSNP rs1750614449, ClinGen allele CA2580072338.
Genomic context (GRCh38, chr5:112,707,846, plus strand): 5'-GTCCTGGAGCACCGGCGGCAGCAGGAGCTGCGTCCGGCAGGAGACGAAGAGCCCGGGCGG[C>G]GCTCGTACTTCTGGCCACTGGGCGAGCGTCTGGCAGGTGAGTGAGGCTGCAGGCATTGAC-3'